The following is an entry in ClinVar:

NM_004369.4(COL6A3):c.4535C>T (p.Ser1512Phe)

Gene: COL6A3 (collagen type VI alpha 3 chain; minus strand). Cytogenetic location: 2q37.3.
Variant type: single nucleotide variant.
Coding change: c.4535C>T on transcript NM_004369.4 (MANE Select); coding-DNA position 4535, C replaced by T.
Protein change: p.Ser1512Phe; replaces serine 1512 with phenylalanine.
Molecular consequence: missense variant.
Genome position (GRCh38, 1-based): chr2:237,368,928, G>A on the plus strand (C>T on the coding strand, the complement: COL6A3 is on the minus strand). VCF-style: chr2-237368928-G-A. GRCh37 (hg19) VCF-style: chr2-238277571-G-A.
Other names: c.2714C>T, p.Ser905Phe (NM_057166.5); c.3917C>T, p.Ser1306Phe (NM_057167.4); short protein forms S1512F, S1306F, S905F.
Identifiers: ClinVar variation 1397765 (VCV001397765.8), dbSNP rs1370846981, ClinGen allele CA351193131.

ClinVar aggregate classification (germline): Uncertain significance (1 of 4 stars; one submission).

Conditions:
Bethlem myopathy 1A. Also called: Bethlem myopathy 1; Bethlem Muscular Dystrophy; MYOPATHY, BENIGN CONGENITAL, WITH CONTRACTURES. Identifiers: Orphanet 610, MedGen CN029274, MONDO:0024530, OMIM 158810.

Allele frequency attached by ClinVar (database versions not stated): gnomAD exomes below 0.00001; TOPMed below 0.00001.
gnomAD v4.1: 1 of 1,614,134 alleles (0.000062%); highest among the groups gnomAD compares: Non-Finnish European, 0.000085%; no homozygotes.

Submission:

Labcorp Genetics (formerly Invitae), Labcorp
Classification: Uncertain significance for Bethlem myopathy 1A. Last evaluated: 2022-02-05. Review status: criteria provided, single submitter. Criteria: Invitae Variant Classification Sherloc (09022015). Collection method: clinical testing. Allele origin: germline.
Comment: In summary, the available evidence is currently insufficient to determine the role of this variant in disease. Therefore, it has been classified as a Variant of Uncertain Significance. Advanced modeling of protein sequence and biophysical properties (such as structural, functional, and spatial information, amino acid conservation, physicochemical variation, residue mobility, and thermodynamic stability) performed at Invitae indicates that this missense variant is not expected to disrupt COL6A3 protein function. This variant has not been reported in the literature in individuals affected with COL6A3-related conditions. This variant is not present in population databases (gnomAD no frequency). This sequence change replaces serine, which is neutral and polar, with phenylalanine, which is neutral and non-polar, at codon 1512 of the COL6A3 protein (p.Ser1512Phe).